The following is an entry in ClinVar:

NM_153240.5(NPHP3):c.767C>G (p.Pro256Arg)

Genes: NPHP3 (nephrocystin 3; minus strand), NPHP3-ACAD11 (NPHP3-ACAD11 readthrough (NMD candidate); minus strand). Cytogenetic location: 3q22.1.
Variant type: single nucleotide variant.
Coding change: c.767C>G on transcript NM_153240.5 (MANE Select); coding-DNA position 767, C replaced by G.
Protein change: p.Pro256Arg; replaces proline 256 with arginine.
Molecular consequence: missense variant. On other transcripts: non-coding transcript variant (1).
Genome position (GRCh38, 1-based): chr3:132,716,813, G>C on the plus strand (C>G on the coding strand, the complement: NPHP3 is on the minus strand). VCF-style: chr3-132716813-G-C. GRCh37 (hg19) VCF-style: chr3-132435657-G-C.
Other names: p.Pro256Arg; short protein forms P256R.
Identifiers: ClinVar variation 2682845 (VCV002682845.1), dbSNP rs374171796, ClinGen allele CA354586449.

ClinVar aggregate classification (germline): Uncertain significance (1 of 4 stars; one submission).

Submission:

Mayo Clinic Laboratories, Mayo Clinic
Classification: Uncertain significance. Last evaluated: 2023-02-09. Review status: criteria provided, single submitter. Criteria: ACMG Guidelines, 2015. Collection method: clinical testing. Allele origin: germline. Observed: 1 variant allele.
Comment: PM2